The following is an entry in ClinVar:

NC_012920.1(MT-ND1):m.4172T>A

Gene: MT-ND1 (mitochondrially encoded NADH dehydrogenase 1; plus strand).
Variant type: single nucleotide variant.
Genome position: chrM-4172-T-A.
Identifiers: ClinVar variation 692431 (VCV000692431.1), dbSNP rs1603219337, ClinGen allele CA414774339.

ClinVar aggregate classification (germline): Benign (1 of 4 stars; one submission).

Conditions:
Leigh syndrome (NULS). Also called: Leigh's necrotizing encephalopathy; Leigh's disease; Leigh Syndrome (mtDNA deletion); Leigh Disease; Subacute necrotizing encephalopathy; Necrotizing encephalopathy infantile subacute of Leigh. Identifiers: Orphanet 506, MedGen C2931891, MONDO:0009723, OMIM 256000.

Submission:

Wong Mito Lab, Molecular and Human Genetics, Baylor College of Medicine
Classification: Benign for Leigh syndrome. Last evaluated: 2019-10-17. Review status: criteria provided, single submitter. Criteria: Modified ACMG Guidelines (Unpublished). Collection method: clinical testing. Allele origin: germline.
Comment: The NC_012920.1:m.4172T>A (YP_003024026.1:p.Leu289Gln) variant in MTND1 gene is interpretated to be a Benign variant based on the modified ACMG guidelines (unpublished). This variant meets the following evidence codes: BS1, BS4